The following is an entry in ClinVar:

NM_022575.4(VPS16):c.2182T>C (p.Trp728Arg)

Genes: PTPRA (protein tyrosine phosphatase receptor type A; plus strand), VPS16 (VPS16 core subunit of CORVET and HOPS complexes; plus strand). Cytogenetic location: 20p13.
Variant type: single nucleotide variant.
Coding change: c.2182T>C on transcript NM_022575.4 (MANE Select); coding-DNA position 2182, T replaced by C.
Protein change: p.Trp728Arg; replaces tryptophan 728 with arginine.
Molecular consequence: missense variant. On other transcripts: intron variant (1).
Genome position (GRCh38, 1-based): chr20:2,865,406, T>C. VCF-style: chr20-2865406-T-C. GRCh37 (hg19) VCF-style: chr20-2846052-T-C.
Other names: c.1750T>C, p.Trp584Arg (NM_080413.3); c.-129+89T>C (NM_002836.4); short protein forms W584R, W728R.
Identifiers: ClinVar variation 2571132 (VCV002571132.24), dbSNP rs61729229, ClinGen allele CA9738045.

ClinVar aggregate classification (germline): Benign (1 of 4 stars; one submission).

Allele frequency attached by ClinVar (database versions not stated): ESP Exome Variant Server 0.00592; TOPMed 0.00618; 1000 Genomes Project 30x 0.00328; 1000 Genomes Project 0.00359; gnomAD 0.00520; gnomAD exomes 0.00560; ExAC 0.00678.
gnomAD v4.1: 9,163 of 1,614,100 alleles (0.57%); highest among the groups gnomAD compares: Middle Eastern, 2.7%; 80 homozygotes.

Submission:

CeGaT Center for Human Genetics Tuebingen
Classification: Benign. Last evaluated: 2026-09-01. Review status: criteria provided, single submitter. Criteria: CeGaT Center For Human Genetics Tuebingen Variant Classification Criteria Version 2. Collection method: clinical testing. Allele origin: germline. Affected: yes. Observed: 28 variant alleles.
Comment: PTPRA: BS1, BS2; VPS16: BS1, BS2